The following is an entry in ClinVar:

NM_000268.4(NF2):c.432C>T (p.Tyr144=)

Gene: NF2 (NF2, moesin-ezrin-radixin like (MERLIN) tumor suppressor; plus strand). Cytogenetic location: 22q12.2.
Variant type: single nucleotide variant.
Coding change: c.432C>T on transcript NM_000268.4 (MANE Select); coding-DNA position 432, C replaced by T.
Protein change: p.Tyr144=; no amino-acid change (tyrosine 144 retained).
Molecular consequence: synonymous variant. On other transcripts: non-coding transcript variant (1).
Genome position (GRCh38, 1-based): chr22:29,642,270, C>T. VCF-style: chr22-29642270-C-T. GRCh37 (hg19) VCF-style: chr22-30038259-C-T.
Other names: c.432C>T, p.Tyr144= (NM_016418.5, NM_181825.3, NM_181832.3 and 1 more transcripts); c.306C>T, p.Tyr102= (NM_181828.3); c.309C>T, p.Tyr103= (NM_181829.3); c.183C>T, p.Tyr61= (NM_181830.3, NM_181831.3).
Identifiers: ClinVar variation 1077220 (VCV001077220.13), dbSNP rs1060503667, ClinGen allele CA514192384.

ClinVar aggregate classification (germline): Likely benign. Review status: criteria provided, multiple submitters, no conflicts (2 of 4 stars). 4 submissions from 4 submitters: Likely benign (4). Last evaluated 2025-12-20.

Conditions:
Hereditary cancer-predisposing syndrome. Also called: Hereditary Cancer Syndrome; Neoplastic Syndromes, Hereditary; Tumor predisposition; Hereditary neoplastic syndrome. Identifiers: Orphanet 140162, MedGen C0027672, MeSH D009386, MONDO:0015356.
Neurofibromatosis, type 2 (SWNV). Also called: NF2-Related Schwannomatosis; SCHWANNOMATOSIS, VESTIBULAR; BILATERAL ACOUSTIC NEUROFIBROMATOSIS. Identifiers: Orphanet 637, MedGen C0027832, MONDO:0007039, OMIM 101000. Disease mechanism: loss of function.

Allele frequency attached by ClinVar (database versions not stated): TOPMed below 0.00001; gnomAD 0.00001; gnomAD exomes 0.00001.
gnomAD v4.1: 12 of 1,613,930 alleles (0.00074%); highest among the groups gnomAD compares: East Asian, 0.0045%; no homozygotes.

Submissions (4):

Labcorp Genetics (formerly Invitae), Labcorp
Classification: Likely benign for Neurofibromatosis, type 2. Last evaluated: 2025-12-20. Review status: criteria provided, single submitter. Criteria: Invitae Variant Classification Sherloc (09022015). Collection method: clinical testing. Allele origin: germline.

Blueprint Genetics
Classification: Likely benign. Last evaluated: 2024-05-21. Review status: criteria provided, single submitter. Criteria: ACMG Guidelines, 2015. Collection method: clinical testing. Allele origin: germline.

All of Us Research Program, National Institutes of Health
Classification: Likely benign for Neurofibromatosis, type 2. Last evaluated: 2024-01-11. Review status: criteria provided, single submitter. Criteria: ACMG Guidelines, 2015. Collection method: clinical testing. Allele origin: germline. Inheritance: Autosomal dominant inheritance. Observed: 2 variant alleles, 2 heterozygotes.
Comment: This study involves interpretation of variants in research participants for the purpose of population health screening. Participant phenotype was not available at the time of variant classification. Additional details can be found in publication PMID: 35346344, PMCID: PMC8962531

Ambry Genetics
Classification: Likely benign for Hereditary cancer-predisposing syndrome. Last evaluated: 2019-07-17. Review status: criteria provided, single submitter. Criteria: Ambry Variant Classification Scheme 2023. Collection method: clinical testing. Allele origin: germline.